The following is an entry in ClinVar:

NM_004364.5(CEBPA):c.631G>T (p.Ala211Ser)

Gene: CEBPA (CCAAT enhancer binding protein alpha; minus strand). Cytogenetic location: 19q13.11.
Variant type: single nucleotide variant.
Coding change: c.631G>T on transcript NM_004364.5 (MANE Select); coding-DNA position 631, G replaced by T.
Protein change: p.Ala211Ser; replaces alanine 211 with serine.
Molecular consequence: missense variant.
Genome position (GRCh38, 1-based): chr19:33,301,784, C>A on the plus strand (G>T on the coding strand, the complement: CEBPA is on the minus strand). VCF-style: chr19-33301784-C-A. GRCh37 (hg19) VCF-style: chr19-33792690-C-A.
Other names: c.274G>T, p.Ala92Ser (NM_001285829.2); c.736G>T, p.Ala246Ser (NM_001287424.2); c.589G>T, p.Ala197Ser (NM_001287435.2); short protein forms A246S, A211S, A92S, A197S.
Identifiers: ClinVar variation 1379021 (VCV001379021.8), dbSNP rs1568419687, ClinGen allele CA405274538.
Genomic context (GRCh38, chr19:33,301,784, plus strand): 5'-GCGTGGGCGGCGGCGTGGGGTGACCGGGCTGCAGGTGCATGGTGGTCTGGCCGCAGTGCG[C>A]GATCTGGAACTGCAGGTGCGGGGCGGCCAGGTGCGCGGGCGGCGGGTGCGGGTGCGGGTG-3'
Protein context (NP_004355.2, residues 201-221): LAAPHLQFQI[Ala211Ser]HCGQTTMHLQ

ClinVar aggregate classification (germline): Uncertain significance (1 of 4 stars; one submission).

Conditions:
Acute myeloid leukemia (AML). Also called: Leukemia, acute myeloid, somatic; Leukemia, acute myelogenous, somatic; Acute myeloid leukemia, adult; AML adult; Acute non-lymphocytic leukemia; Acute granulocytic leukemia. Identifiers: Orphanet 519, MedGen C0023467, MeSH D015470, MONDO:0018874, OMIM 601626, HP:0004808. Disease mechanism: Constitutively activated FLT3.

Submission:

Labcorp Genetics (formerly Invitae), Labcorp
Classification: Uncertain significance for Acute myeloid leukemia. Last evaluated: 2020-11-23. Review status: criteria provided, single submitter. Criteria: Invitae Variant Classification Sherloc (09022015). Collection method: clinical testing. Allele origin: germline.
Comment: In summary, the available evidence is currently insufficient to determine the role of this variant in disease. Therefore, it has been classified as a Variant of Uncertain Significance. Algorithms developed to predict the effect of missense changes on protein structure and function are either unavailable or do not agree on the potential impact of this missense change (SIFT: "Tolerated"; PolyPhen-2: "Probably Damaging"; Align-GVGD: "Class C0"). This variant has not been reported in the literature in individuals with CEBPA-related conditions. The frequency data for this variant in the population databases is considered unreliable, as metrics indicate insufficient coverage at this position in the ExAC database. This sequence change replaces alanine with serine at codon 211 of the CEBPA protein (p.Ala211Ser). The alanine residue is moderately conserved and there is a moderate physicochemical difference between alanine and serine.